The following is an entry in ClinVar:

ClinVar aggregate classification (germline): Uncertain significance. Review status: criteria provided, multiple submitters, no conflicts (2 of 4 stars). 2 submissions from 2 submitters: Uncertain significance (2). Last evaluated 2024-12-14.

Conditions:
Immunodeficiency 104. Also called: Severe combined immunodeficiency, autosomal recessive, T cell-negative, B cell-positive, NK cell-positive; SCID, AUTOSOMAL RECESSIVE, T CELL-NEGATIVE, B CELL-POSITIVE, NK CELL-POSITIVE; IMMUNODEFICIENCY 104, SEVERE COMBINED; Severe Combined Immune Deficiency, Autosomal Recessive, TCell -Negative, B Cell-Positive, NK Cell-Positive, IL7R-Related. Identifiers: MedGen C5676890, MONDO:0012163, OMIM 608971.

Allele frequency attached by ClinVar (database versions not stated): gnomAD 0.00001; TOPMed 0.00003; 1000 Genomes Project 30x 0.00016; 1000 Genomes Project 0.00020.
gnomAD v4.1: 13 of 1,613,402 alleles (0.00081%); highest among the groups gnomAD compares: Admixed American, 0.022%; no homozygotes.

Submissions (2):

Women's Health and Genetics/Laboratory Corporation of America, LabCorp
Classification: Uncertain significance. Last evaluated: 2024-12-14. Review status: criteria provided, single submitter. Criteria: LabCorp Variant Classification Summary - May 2015. Collection method: clinical testing. Allele origin: germline.

Labcorp Genetics (formerly Invitae), Labcorp
Classification: Uncertain significance for Immunodeficiency 104. Last evaluated: 2022-05-29. Review status: criteria provided, single submitter. Criteria: Invitae Variant Classification Sherloc (09022015). Collection method: clinical testing. Allele origin: germline.
Comment: This sequence change falls in intron 5 of the IL7R gene. It does not directly change the encoded amino acid sequence of the IL7R protein. It affects a nucleotide within the consensus splice site. This variant is present in population databases (rs181084023, gnomAD 0.02%). This variant has not been reported in the literature in individuals affected with IL7R-related conditions. ClinVar contains an entry for this variant (Variation ID: 640107). Variants that disrupt the consensus splice site are a relatively common cause of aberrant splicing (PMID: 17576681, 9536098). Algorithms developed to predict the effect of sequence changes on RNA splicing suggest that this variant may disrupt the consensus splice site. In summary, the available evidence is currently insufficient to determine the role of this variant in disease. Therefore, it has been classified as a Variant of Uncertain Significance.

Literature cited by the submitters: PubMed 17576681 (cited by Labcorp Genetics (formerly Invitae), Labcorp); PubMed 9536098 (cited by Labcorp Genetics (formerly Invitae), Labcorp).

NM_002185.5(IL7R):c.706+5G>C

Gene: IL7R (interleukin 7 receptor; plus strand). Cytogenetic location: 5p13.2.
Variant type: single nucleotide variant.
Coding change: c.706+5G>C on transcript NM_002185.5 (MANE Select); 5 bases into the intron after coding-DNA position 706, G replaced by C.
Molecular consequence: intron variant.
Genome position (GRCh38, 1-based): chr5:35,873,653, G>C. VCF-style: chr5-35873653-G-C. GRCh37 (hg19) VCF-style: chr5-35873755-G-C.
Identifiers: ClinVar variation 640107 (VCV000640107.7), dbSNP rs181084023, ClinGen allele CA3232056.
Genomic context (GRCh38, chr5:35,873,653, plus strand): 5'-GAGTGAATGGAGTCCAAGTTATTACTTCAGAACTCCAGAGATCAATAATAGCTCAGGTAA[G>C]GAATGGTGGTAGAGTTTTTGTTCCCTCAGAGTGCTTTGCATGTCAAAGTGTGGGAGCAAG-3'